The following is an entry in ClinVar:

NM_001009944.3(PKD1):c.1212G>A (p.Pro404=)

Gene: PKD1 (polycystin 1, transient receptor potential channel interacting; minus strand). Cytogenetic location: 16p13.3.
Variant type: single nucleotide variant.
Coding change: c.1212G>A on transcript NM_001009944.3 (MANE Select); coding-DNA position 1212, G replaced by A.
Protein change: p.Pro404=; no amino-acid change (proline 404 retained).
Molecular consequence: synonymous variant.
Genome position (GRCh38, 1-based): chr16:2,117,662, C>T on the plus strand (G>A on the coding strand, the complement: PKD1 is on the minus strand). VCF-style: chr16-2117662-C-T. GRCh37 (hg19) VCF-style: chr16-2167663-C-T.
Other names: c.1212G>A, p.Pro404= (NM_000296.4).
Identifiers: ClinVar variation 3045000 (VCV003045000.4), dbSNP rs578104257, ClinGen allele CA7833571.

ClinVar aggregate classification (germline): Conflicting classifications of pathogenicity. Review status: criteria provided, conflicting classifications (1 of 4 stars). 3 submissions from 3 submitters: Uncertain significance (1); Likely benign (1). 1 of the submissions does not count toward it. Last evaluated 2024-10-07.

Conditions:
PKD1-related disorder. Also called: PKD1-related condition.
Polycystic kidney disease, adult type (PKD1). Also called: Polycystic Kidney Disease 1, Autosomal Dominant; Polycystic kidney disease 1; Polycystic kidney disease 1, severe; Polycystic Kidney, Autosomal Dominant; POLYCYSTIC KIDNEY DISEASE 1 WITH OR WITHOUT POLYCYSTIC LIVER DISEASE; POLYCYSTIC KIDNEY DISEASE, ADULT, TYPE I. Identifiers: MedGen C3149841, MONDO:0008263, OMIM 173900.

Allele frequency attached by ClinVar (database versions not stated): TOPMed 0.00002; gnomAD 0.00003; gnomAD exomes 0.00003; ExAC 0.00004; 1000 Genomes Project 30x 0.00016; 1000 Genomes Project 0.00020.
gnomAD v4.1: 43 of 1,609,908 alleles (0.0027%); highest among the groups gnomAD compares: Admixed American, 0.012%; 1 homozygote.

Submissions (3):

Blueprint Genetics
Classification: Likely benign. Last evaluated: 2024-10-07. Review status: criteria provided, single submitter. Criteria: ACMG Guidelines, 2015. Collection method: clinical testing. Allele origin: germline.

Department of Pathology and Laboratory Medicine, Sinai Health System
Classification: Uncertain significance for Polycystic kidney disease, adult type. Last evaluated: 2017-11-07. Review status: criteria provided, single submitter. Criteria: ACMG Guidelines, 2015. Collection method: clinical testing. Allele origin: germline.

PreventionGenetics, part of Exact Sciences
Classification: Likely benign for PKD1-related condition. Last evaluated: 2020-01-13. Review status: no assertion criteria provided. Collection method: clinical testing. Allele origin: germline. Not counted in ClinVar's aggregate classification.
Comment: This variant is classified as likely benign based on ACMG/AMP sequence variant interpretation guidelines (Richards et al. 2015 PMID: 25741868, with internal and published modifications).